The following is an entry in ClinVar:

NM_001079802.2(FKTN):c.400_408del (p.Gly134_Gln136del)

Gene: FKTN (fukutin; plus strand). Cytogenetic location: 9q31.2.
Variant type: Deletion.
Coding change: c.400_408del on transcript NM_001079802.2 (MANE Select); coding-DNA positions 400 to 408, 9 bases deleted (GGATTTCAG; older notation c.400_408delGGATTTCAG).
Protein change: p.Gly134_Gln136del.
Molecular consequence: inframe deletion. On other transcripts: initiator codon variant (4), non-coding transcript variant (2).
Genome position (GRCh38, 1-based): chr9:105,604,245-105,604,253, GGATTTCAG deleted; deleting any 9 consecutive bases within chr9:105,604,244-105,604,253 gives the same sequence; the c. name uses the placement nearest the transcript's 3' end. VCF-style (leftmost placement, unchanged base first): chr9-105604243-TGGGATTTCA-T. GRCh37 (hg19) VCF-style: chr9-108366524-TGGGATTTCA-T.
Other names: c.400_408del, p.Gly134_Gln136del (NM_001198963.2, NM_001351496.2, NM_001351498.2 and 1 more transcripts); c.331_339del, p.Gly111_Gln113del (NM_001351497.2); c.4_12del, p.Gly2_Gln4del (NM_001351499.2, NM_001351500.2, NM_001351501.2 and 1 more transcripts).
Identifiers: ClinVar variation 859652 (VCV000859652.11), dbSNP rs1176794033, ClinGen allele CA590046706.
Genomic context (GRCh38, chr9:105,604,243, plus strand): 5'-TTTCTTGATGTTTGATGCTTCTTTGGTTCTAGGAAGGCTGGTTTCGGATAGCTGAGAATA[TGGGATTTCA>T]GTGCCTAAAGATTGAGAGTAAAGATCCCCGGCTAGACGGGATAGACTCACTCTCTGGAAC-3'

ClinVar aggregate classification (germline): Uncertain significance. Review status: criteria provided, multiple submitters, no conflicts (2 of 4 stars). 2 submissions from 2 submitters: Uncertain significance (2). Last evaluated 2022-11-15.

Conditions:
Walker-Warburg congenital muscular dystrophy. Also called: Muscular dystrophy-dystroglycanopathy, type A; Walker-Warburg syndrome. Identifiers: Orphanet 899, MedGen C0265221, MONDO:0000171.
Dilated cardiomyopathy 1X (CMD1X). Also called: FKTN-Related Dilated Cardiomyopathy; CARDIOMYOPATHY, DILATED, WITH MILD OR NO PROXIMAL MUSCLE WEAKNESS. Identifiers: Orphanet 154, MedGen C1969024, MONDO:0012704, OMIM 611615.
Muscular dystrophy-dystroglycanopathy (congenital with brain and eye anomalies), type A, 4 (MDDGA4). Also called: Fukuyama congenital muscular dystrophy; Walker-Warburg Syndrome, Fktn-Related; Congenital muscular dystrophy-dystroglycanopathy with brain and eye anomalies, type A4; WALKER-WARBURG SYNDROME OR MUSCLE-EYE-BRAIN DISEASE, FKTN-RELATED; Muscular dystrophy, congenital progressive, with mental retardation; Muscular dystrophy, congenital, with central nervous system involvement. Identifiers: Orphanet 272, Orphanet 588, Orphanet 899, MedGen C0410174, MONDO:0009678, OMIM 253800.
Muscular dystrophy-dystroglycanopathy (congenital with brain and eye anomalies), type A1 (MDDGA1). Also called: WALKER-WARBURG SYNDROME OR MUSCLE-EYE-BRAIN DISEASE, POMT1-RELATED; Hydrocephalus, agyria and retinal dysplasia; Hard +/- E syndrome; Warburg syndrome; Chemke syndrome; Pagon syndrome. Identifiers: Orphanet 588, Orphanet 899, MedGen C4284790, MONDO:0009364, OMIM 236670.
Autosomal recessive limb-girdle muscular dystrophy type 2M. Also called: MUSCULAR DYSTROPHY, LIMB-GIRDLE, TYPE 2M; MUSCULAR DYSTROPHY-DYSTROGLYCANOPATHY (LIMB-GIRDLE), TYPE C, 4. Identifiers: Orphanet 206554, MedGen C1969040, MONDO:0012699, OMIM 611588.
Muscular dystrophy-dystroglycanopathy (congenital without impaired intellectual development), type B, 4. Also called: MUSCULAR DYSTROPHY, CONGENITAL, FKTN-RELATED; Muscular dystrophy-dystroglycanopathy (congenital without intellectual disability), type B4. Identifiers: MedGen C2751052, MONDO:0013156, OMIM 613152.

Submissions (2):

Labcorp Genetics (formerly Invitae), Labcorp
Classification: Uncertain significance for Walker-Warburg congenital muscular dystrophy. Last evaluated: 2022-11-15. Review status: criteria provided, single submitter. Criteria: Invitae Variant Classification Sherloc (09022015). Collection method: clinical testing. Allele origin: germline.
Comment: Experimental studies and prediction algorithms are not available or were not evaluated, and the functional significance of this variant is currently unknown. ClinVar contains an entry for this variant (Variation ID: 859652). This variant has not been reported in the literature in individuals affected with FKTN-related conditions. This variant is present in population databases (no rsID available, gnomAD 0.0009%). This variant, c.400_408del, results in the deletion of 3 amino acid(s) of the FKTN protein (p.Gly134_Gln136del), but otherwise preserves the integrity of the reading frame. In summary, the available evidence is currently insufficient to determine the role of this variant in disease. Therefore, it has been classified as a Variant of Uncertain Significance.

Fulgent Genetics
Classification: Uncertain significance for Muscular dystrophy-dystroglycanopathy (congenital with brain and eye anomalies), type A1; Muscular dystrophy-dystroglycanopathy (congenital with brain and eye anomalies), type A, 4; Autosomal recessive limb-girdle muscular dystrophy type 2M; Dilated cardiomyopathy 1X; Muscular dystrophy-dystroglycanopathy (congenital without impaired intellectual development), type B, 4. Last evaluated: 2021-11-22. Review status: criteria provided, single submitter. Criteria: ACMG Guidelines, 2015. Collection method: clinical testing. Allele origin: unknown.